The following is an entry in ClinVar:

ClinVar aggregate classification (germline): Uncertain significance (1 of 4 stars; one submission).

Submission:

Labcorp Genetics (formerly Invitae), Labcorp
Classification: Uncertain significance. Last evaluated: 2023-10-13. Review status: criteria provided, single submitter. Criteria: Invitae Variant Classification Sherloc (09022015). Collection method: clinical testing. Allele origin: germline.
Comment: This sequence change replaces proline, which is neutral and non-polar, with arginine, which is basic and polar, at codon 243 of the LRRC56 protein (p.Pro243Arg). This variant is present in population databases (no rsID available, gnomAD 0.001%). This variant has not been reported in the literature in individuals affected with LRRC56-related conditions. ClinVar contains an entry for this variant (Variation ID: 1948175). An algorithm developed to predict the effect of missense changes on protein structure and function (PolyPhen-2) suggests that this variant¬†is likely to be tolerated. In summary, the available evidence is currently insufficient to determine the role of this variant in disease. Therefore, it has been classified as a Variant of Uncertain Significance.

NM_198075.4(LRRC56):c.728_729delinsGA (p.Pro243Arg)

Gene: LRRC56 (leucine rich repeat containing 56; plus strand). Cytogenetic location: 11p15.5.
Variant type: Indel.
Coding change: c.728_729delinsGA on transcript NM_198075.4 (MANE Select); coding-DNA positions 728 to 729, CG replaced by GA.
Protein change: p.Pro243Arg; replaces proline 243 with arginine.
Molecular consequence: missense variant.
Genome position (GRCh38, 1-based): chr11:551,234-551,235, CG replaced by GA. VCF-style: chr11-551234-CG-GA. GRCh37 (hg19) VCF-style: chr11-551234-CG-GA.
Other names: short protein forms P243R.
Identifiers: ClinVar variation 1948175 (VCV001948175.3), dbSNP rs2539916460, ClinGen allele CA2580083846.